The following is an entry in ClinVar:

ClinVar aggregate classification (germline): Uncertain significance (1 of 4 stars; one submission).

Conditions:
Familial focal epilepsy with variable foci (FPEVF). Identifiers: Orphanet 98820, MedGen C1858477, MONDO:0020310.

Submission:

Labcorp Genetics (formerly Invitae), Labcorp
Classification: Uncertain significance for Familial focal epilepsy with variable foci. Last evaluated: 2024-09-16. Review status: criteria provided, single submitter. Criteria: Invitae Variant Classification Sherloc (09022015). Collection method: clinical testing. Allele origin: germline.
Comment: This sequence change replaces histidine, which is basic and polar, with glutamine, which is neutral and polar, at codon 634 of the DEPDC5 protein (p.His634Gln). This variant is not present in population databases (gnomAD no frequency). This variant has not been reported in the literature in individuals affected with DEPDC5-related conditions. Experimental studies and prediction algorithms are not available or were not evaluated, and the functional significance of this variant is currently unknown. In summary, the available evidence is currently insufficient to determine the role of this variant in disease. Therefore, it has been classified as a Variant of Uncertain Significance.

NM_001242896.3(DEPDC5):c.1902C>G (p.His634Gln)

Gene: DEPDC5 (DEP domain containing 5, GATOR1 subcomplex subunit; plus strand). Cytogenetic location: 22q12.3.
Variant type: single nucleotide variant.
Coding change: c.1902C>G on transcript NM_001242896.3 (MANE Select); coding-DNA position 1902, C replaced by G.
Protein change: p.His634Gln; replaces histidine 634 with glutamine.
Molecular consequence: missense variant. On other transcripts: non-coding transcript variant (4), intron variant (3).
Genome position (GRCh38, 1-based): chr22:31,821,533, C>G. VCF-style: chr22-31821533-C-G. GRCh37 (hg19) VCF-style: chr22-32217519-C-G.
Other names: c.1902C>G, p.His634Gln (NM_001369903.1, NM_014662.6, NM_001136029.4 and 3 more transcripts); c.1870+2308C>G (NM_001363854.2, NM_001242897.2, NM_001364319.2); c.1818C>G, p.His606Gln (NM_001369901.1, NM_001369902.1); short protein forms H634Q, H606Q.
Identifiers: ClinVar variation 3716998 (VCV003716998.2).